The following is an entry in ClinVar:

NM_020247.5(COQ8A):c.526G>A (p.Glu176Lys)

Gene: COQ8A (coenzyme Q8A; plus strand). Cytogenetic location: 1q42.13.
Variant type: single nucleotide variant.
Coding change: c.526G>A on transcript NM_020247.5 (MANE Select); coding-DNA position 526, G replaced by A.
Protein change: p.Glu176Lys; replaces glutamic acid 176 with lysine.
Molecular consequence: missense variant.
Genome position (GRCh38, 1-based): chr1:226,965,348, G>A. VCF-style: chr1-226965348-G-A. GRCh37 (hg19) VCF-style: chr1-227153049-G-A.
Other names: p.E176K:GAG>AAG; short protein forms E176K.
Identifiers: ClinVar variation 214039 (VCV000214039.9), dbSNP rs776354118, ClinGen allele CA323819.

ClinVar aggregate classification (germline): Uncertain significance. Review status: criteria provided, multiple submitters, no conflicts (2 of 4 stars). 2 submissions from 2 submitters: Uncertain significance (2). Last evaluated 2022-12-15.

Allele frequency attached by ClinVar (database versions not stated): gnomAD exomes 0.00001 and 0.00002; gnomAD 0.00001; ExAC 0.00001; TOPMed 0.00002.
gnomAD v4.1: 14 of 1,613,074 alleles (0.00087%); highest among the groups gnomAD compares: Admixed American, 0.0083%; 1 homozygote.

Submissions (2):

Labcorp Genetics (formerly Invitae), Labcorp
Classification: Uncertain significance. Last evaluated: 2022-12-15. Review status: criteria provided, single submitter. Criteria: Invitae Variant Classification Sherloc (09022015). Collection method: clinical testing. Allele origin: germline.
Comment: This sequence change replaces glutamic acid, which is acidic and polar, with lysine, which is basic and polar, at codon 176 of the COQ8A protein (p.Glu176Lys). This variant is present in population databases (rs776354118, gnomAD 0.009%), including at least one homozygous and/or hemizygous individual. This variant has not been reported in the literature in individuals affected with COQ8A-related conditions. ClinVar contains an entry for this variant (Variation ID: 214039). Algorithms developed to predict the effect of missense changes on protein structure and function (SIFT, PolyPhen-2, Align-GVGD) all suggest that this variant is likely to be tolerated. In summary, the available evidence is currently insufficient to determine the role of this variant in disease. Therefore, it has been classified as a Variant of Uncertain Significance.

GeneDx
Classification: Uncertain significance. Last evaluated: 2014-12-19. Review status: criteria provided, single submitter. Criteria: GeneDx Variant Classification (06012015). Collection method: clinical testing. Allele origin: germline. Affected: yes.
Comment: p.Glu176Lys (GAG>AAG): c.526 G>A in exon 3 of the ADCK3 gene (NM_020247.4). The E176K variant has not been published as a mutation, nor has it been reported as a benign polymorphism to our knowledge. The E176K variant is a non-conservative amino acid substitution, which is likely to impact secondary protein structure as these residues differ in polarity, charge, size and/or other properties. This substitution occurs at a position that is conserved across species. In silico analysis predicts this variant likely does not alter the protein structure/function. Therefore, based on the currently available information, it is unclear whether this variant is a pathogenic mutation or a rare benign variant. The variant is found in MITONUC-MITOP panel(s).